The following is an entry in ClinVar:

ClinVar aggregate classification (germline): Likely benign. Review status: criteria provided, single submitter (1 of 4 stars). 2 submissions from 2 submitters: Likely benign (1). 1 of the submissions does not count toward it. Last evaluated 2024-02-01.

Conditions:
SLC39A4-related disorder. Also called: SLC39A4-related condition.

Allele frequency attached by ClinVar (database versions not stated): gnomAD exomes 0.00002 and 0.00006; gnomAD 0.00003; TOPMed 0.00003; ExAC 0.00006.

Submissions (2):

Labcorp Genetics (formerly Invitae), Labcorp
Classification: Likely benign. Last evaluated: 2024-02-01. Review status: criteria provided, single submitter. Criteria: Invitae Variant Classification Sherloc (09022015). Collection method: clinical testing. Allele origin: germline.

PreventionGenetics, part of Exact Sciences
Classification: Likely benign for SLC39A4-related condition. Last evaluated: 2023-08-09. Review status: no assertion criteria provided. Collection method: clinical testing. Allele origin: germline. Not counted in ClinVar's aggregate classification.
Comment: This variant is classified as likely benign based on ACMG/AMP sequence variant interpretation guidelines (Richards et al. 2015 PMID: 25741868, with internal and published modifications).

NM_130849.4(SLC39A4):c.1056C>T (p.Gly352=)

Gene: SLC39A4 (solute carrier family 39 member 4; minus strand). Cytogenetic location: 8q24.3.
Variant type: single nucleotide variant.
Coding change: c.1056C>T on transcript NM_130849.4 (MANE Select); coding-DNA position 1056, C replaced by T.
Protein change: p.Gly352=; no amino-acid change (glycine 352 retained).
Molecular consequence: synonymous variant.
Genome position (GRCh38, 1-based): chr8:144,414,355, G>A on the plus strand (C>T on the coding strand, the complement: SLC39A4 is on the minus strand). VCF-style: chr8-144414355-G-A. GRCh37 (hg19) VCF-style: chr8-145639739-G-A.
Other names: c.774C>T, p.Gly258= (NM_001374839.1); c.981C>T, p.Gly327= (NM_017767.3).
Identifiers: ClinVar variation 755429 (VCV000755429.9), dbSNP rs782089344, ClinGen allele CA4941415.
Genomic context (GRCh38, chr8:144,414,355, plus strand): 5'-GACTGCACCCACTGCCAGGCTCAGGAAGGTCTGCAGGATGTAGTGGGTGACCCCCCTGCA[G>A]CCAGTGCAGGTCAGCAGCAGGAGGCCAAAGACCGCGCAGAGGCAGATGAGCAGCGTGGCC-3'
Protein context (NP_570901.3, residues 342-362): VFGLLLLTCT[Gly352=]CRGVTHYILQ